The following is an entry in ClinVar:

ClinVar aggregate classification (germline): Benign/Likely benign. Review status: criteria provided, multiple submitters, no conflicts (2 of 4 stars). 4 submissions from 4 submitters: Benign (1); Likely benign (2). 1 of the submissions does not count toward it. Last evaluated 2025-11-01.

Conditions:
KMT2D-related disorder. Also called: KMT2D-Related Disorders.
Kabuki syndrome. Also called: Kabuki make-up syndrome; NIIKAWA-KUROKI SYNDROME. Identifiers: Orphanet 2322, MedGen C0796004, MONDO:0016512.

Allele frequency attached by ClinVar (database versions not stated): gnomAD 0.00001; gnomAD exomes 0.00001; TOPMed 0.00001.
gnomAD v4.1: 22 of 1,520,584 alleles (0.0014%); highest among the groups gnomAD compares: South Asian, 0.013%; no homozygotes.

Submissions (4):

CeGaT Center for Human Genetics Tuebingen
Classification: Likely benign. Last evaluated: 2025-11-01. Review status: criteria provided, single submitter. Criteria: CeGaT Center For Human Genetics Tuebingen Variant Classification Criteria Version 2. Collection method: clinical testing. Allele origin: germline. Affected: yes. Observed: 2 variant alleles.
Comment: KMT2D: BP4, BP7

Labcorp Genetics (formerly Invitae), Labcorp
Classification: Benign for Kabuki syndrome. Last evaluated: 2025-09-09. Review status: criteria provided, single submitter. Criteria: Invitae Variant Classification Sherloc (09022015). Collection method: clinical testing. Allele origin: germline.

Blueprint Genetics
Classification: Likely benign. Last evaluated: 2022-11-14. Review status: criteria provided, single submitter. Criteria: ACMG Guidelines, 2015. Collection method: clinical testing. Allele origin: germline.

PreventionGenetics, part of Exact Sciences
Classification: Likely benign for KMT2D-related condition. Last evaluated: 2019-04-05. Review status: no assertion criteria provided. Collection method: clinical testing. Allele origin: germline. Not counted in ClinVar's aggregate classification.
Comment: This variant is classified as likely benign based on ACMG/AMP sequence variant interpretation guidelines (Richards et al. 2015 PMID: 25741868, with internal and published modifications).

NM_003482.4(KMT2D):c.6609G>A (p.Thr2203=)

Gene: KMT2D (lysine methyltransferase 2D; minus strand). Cytogenetic location: 12q13.12.
Variant type: single nucleotide variant.
Coding change: c.6609G>A on transcript NM_003482.4 (MANE Select); coding-DNA position 6609, G replaced by A.
Protein change: p.Thr2203=; no amino-acid change (threonine 2203 retained).
Molecular consequence: synonymous variant.
Genome position (GRCh38, 1-based): chr12:49,041,161, C>T on the plus strand (G>A on the coding strand, the complement: KMT2D is on the minus strand). VCF-style: chr12-49041161-C-T. GRCh37 (hg19) VCF-style: chr12-49434944-C-T.
Other names: c.6609G>A (NM_003482.3).
Identifiers: ClinVar variation 1473757 (VCV001473757.32), dbSNP rs777250293, ClinGen allele CA6547218.